The following is an entry in ClinVar:

ClinVar aggregate classification (germline): Uncertain significance (1 of 4 stars; one submission).

Allele frequency attached by ClinVar (database versions not stated): TOPMed 0.00002.
gnomAD v4.1: 3 of 1,604,248 alleles (0.00019%); highest among the groups gnomAD compares: African/African-American, 0.004%; no homozygotes.

Submission:

ARUP Laboratories, Molecular Genetics and Genomics, ARUP Laboratories
Classification: Uncertain significance. Last evaluated: 2018-09-14. Review status: criteria provided, single submitter. Criteria: ARUP Molecular Germline Variant Investigation Process. Collection method: clinical testing. Allele origin: germline.
Comment: The CDHR1 c.2473C>G; p.Pro825Ala (rs201515900) variant, to our knowledge, is not reported in the medical literature or in gene-specific databases. The variant is found in the general population in 2 out of 269582 alleles in the Genome Aggregation Database. However, another variant in the same amino acid, p.Pro825Thr, is found in the South Asian population with an allele frequency of 2.6% (800/30730 alleles, including 17 homozygotes) in the Genome Aggregation Database. The proline at this position is weakly conserved and computational algorithms (PolyPhen-2, SIFT) predict this variant is tolerated. Although there are indications that this variant may not be pathogenic, the clinical significance of this variant is uncertain at this time. Pathogenic CDHR1 variants are causative for autosomal recessive cone-rod dystrophy (MIM: 613660) or retinitis pigmentosa (MIM: 613660).

NM_033100.4(CDHR1):c.2473C>G (p.Pro825Ala)

Gene: CDHR1 (cadherin related family member 1; plus strand). Cytogenetic location: 10q23.1.
Variant type: single nucleotide variant.
Coding change: c.2473C>G on transcript NM_033100.4 (MANE Select); coding-DNA position 2473, C replaced by G.
Protein change: p.Pro825Ala; replaces proline 825 with alanine.
Molecular consequence: missense variant. On other transcripts: intron variant (1).
Genome position (GRCh38, 1-based): chr10:84,214,514, C>G. VCF-style: chr10-84214514-C-G. GRCh37 (hg19) VCF-style: chr10-85974270-C-G.
Other names: c.2040+1166C>G (NM_001171971.3); short protein forms P825A.
Identifiers: ClinVar variation 811119 (VCV000811119.8), dbSNP rs201515900, ClinGen allele CA5580251.
Genomic context (GRCh38, chr10:84,214,514, plus strand): 5'-GGCGCAGCCCAGTGGACCGTGCCTACTGTCTCTGGCTCTCTCACTCCGCAGCCGACCCAA[C>G]CCCCGCCAAAACCCAAAACTATGGGAAGCCCCGTCCAGTCAACTCTGATCTCTGAGCTCA-3'
Protein context (NP_149091.1, residues 815-835): SGSLTPQPTQ[Pro825Ala]PPKPKTMGSP